The following is an entry in ClinVar:

NM_001042492.3(NF1):c.7269C>G (p.His2423Gln)

Gene: NF1 (neurofibromin 1; plus strand). Cytogenetic location: 17q11.2.
Variant type: single nucleotide variant.
Coding change: c.7269C>G on transcript NM_001042492.3 (MANE Select); coding-DNA position 7269, C replaced by G.
Protein change: p.His2423Gln; replaces histidine 2423 with glutamine.
Molecular consequence: missense variant.
Genome position (GRCh38, 1-based): chr17:31,349,199, C>G. VCF-style: chr17-31349199-C-G. GRCh37 (hg19) VCF-style: chr17-29676217-C-G.
Other names: c.7206C>G, p.His2402Gln (NM_000267.4); short protein forms H2402Q, H2423Q.
Identifiers: ClinVar variation 2111073 (VCV002111073.5), dbSNP rs2151572773, ClinGen allele CA399016813.

ClinVar aggregate classification (germline): Uncertain significance. Review status: criteria provided, multiple submitters, no conflicts (2 of 4 stars). 2 submissions from 2 submitters: Uncertain significance (2). Last evaluated 2022-11-23.

Conditions:
Cardiovascular phenotype. Identifiers: MedGen CN230736.
Hereditary cancer-predisposing syndrome. Also called: Tumor predisposition; Hereditary Cancer Syndrome; Neoplastic Syndromes, Hereditary; Hereditary neoplastic syndrome. Identifiers: Orphanet 140162, MedGen C0027672, MeSH D009386, MONDO:0015356.
Neurofibromatosis, type 1 (NF1). Also called: NEUROFIBROMATOSIS, TYPE I, SOMATIC; Neurofibromatosis, type I; Peripheral type neurofibromatosis; VON RECKLINGHAUSEN DISEASE. Identifiers: Orphanet 636, MedGen C0027831, MONDO:0018975, OMIM 162200. Disease mechanism: loss of function.

Submissions (2):

Ambry Genetics
Classification: Uncertain significance for Cardiovascular phenotype; Hereditary cancer-predisposing syndrome. Last evaluated: 2022-11-23. Review status: criteria provided, single submitter. Criteria: Ambry Variant Classification Scheme 2023. Collection method: clinical testing. Allele origin: germline.
Comment: The p.H2402Q variant (also known as c.7206C>G), located in coding exon 48 of the NF1 gene, results from a C to G substitution at nucleotide position 7206. The histidine at codon 2402 is replaced by glutamine, an amino acid with highly similar properties. This amino acid position is conserved. In addition, this alteration is predicted to be tolerated by in silico analysis. Since supporting evidence is limited at this time, the clinical significance of this alteration remains unclear.

Labcorp Genetics (formerly Invitae), Labcorp
Classification: Uncertain significance for Neurofibromatosis, type 1. Last evaluated: 2022-03-13. Review status: criteria provided, single submitter. Criteria: Invitae Variant Classification Sherloc (09022015). Collection method: clinical testing. Allele origin: germline.
Comment: This variant is not present in population databases (gnomAD no frequency). This variant has not been reported in the literature in individuals affected with NF1-related conditions. Advanced modeling of protein sequence and biophysical properties (such as structural, functional, and spatial information, amino acid conservation, physicochemical variation, residue mobility, and thermodynamic stability) performed at Invitae indicates that this missense variant is not expected to disrupt NF1 protein function. In summary, the available evidence is currently insufficient to determine the role of this variant in disease. Therefore, it has been classified as a Variant of Uncertain Significance. This sequence change replaces histidine, which is basic and polar, with glutamine, which is neutral and polar, at codon 2402 of the NF1 protein (p.His2402Gln).